The following is an entry in ClinVar:

NM_000093.5(COL5A1):c.4921G>A (p.Asp1641Asn)

Genes: COL5A1 (collagen type V alpha 1 chain; plus strand), LOC101448202 (uncharacterized LOC101448202; minus strand). Cytogenetic location: 9q34.3.
Variant type: single nucleotide variant.
Coding change: c.4921G>A on transcript NM_000093.5 (MANE Select); coding-DNA position 4921, G replaced by A.
Protein change: p.Asp1641Asn; replaces aspartic acid 1641 with asparagine.
Molecular consequence: missense variant.
Genome position (GRCh38, 1-based): chr9:134,824,822, G>A. VCF-style: chr9-134824822-G-A. GRCh37 (hg19) VCF-style: chr9-137716668-G-A.
Other names: c.4921G>A, p.Asp1641Asn (NM_001278074.1); short protein forms D1641N.
Identifiers: ClinVar variation 3021674 (VCV003021674.3), dbSNP rs1839196731, ClinGen allele CA375458729.
Genomic context (GRCh38, chr9:134,824,822, plus strand): 5'-GAGATTGAGCAGATGAAACGGCCCCTGGGCACGCAGCAGAACCCCGCCCGCACCTGCAAG[G>A]ACCTGCAGCTCTGCCACCCCGACTTCCCAGATGGTGAGGGCCTGGGGGGGCAGGGGTGGC-3'
Protein context (NP_000084.3, residues 1631-1651): TQQNPARTCK[Asp1641Asn]LQLCHPDFPD

ClinVar aggregate classification (germline): Uncertain significance (1 of 4 stars; one submission).

Conditions:
Ehlers-Danlos syndrome, classic type, 1 (EDSCL1). Also called: EDS I; EHLERS-DANLOS SYNDROME, GRAVIS TYPE; EHLERS-DANLOS SYNDROME, SEVERE CLASSIC TYPE; Ehlers-Danlos syndrome, type 1; Ehlers-Danlos Syndrome, Classic Type, COL5A1-Related. Identifiers: MedGen C0268335, MONDO:0019567, OMIM 130000.

Allele frequency attached by ClinVar (database versions not stated): gnomAD exomes below 0.00001.
gnomAD v4.1: 1 of 1,613,742 alleles (0.000062%); highest among the groups gnomAD compares: Non-Finnish European, 0.000085%; no homozygotes.

Submission:

Labcorp Genetics (formerly Invitae), Labcorp
Classification: Uncertain significance for Ehlers-Danlos syndrome, classic type, 1. Last evaluated: 2022-12-10. Review status: criteria provided, single submitter. Criteria: Invitae Variant Classification Sherloc (09022015). Collection method: clinical testing. Allele origin: germline.
Comment: This variant has not been reported in the literature in individuals affected with COL5A1-related conditions. In summary, the available evidence is currently insufficient to determine the role of this variant in disease. Therefore, it has been classified as a Variant of Uncertain Significance. Advanced modeling of protein sequence and biophysical properties (such as structural, functional, and spatial information, amino acid conservation, physicochemical variation, residue mobility, and thermodynamic stability) has been performed at Invitae for this missense variant, however the output from this modeling did not meet the statistical confidence thresholds required to predict the impact of this variant on COL5A1 protein function. This variant is not present in population databases (gnomAD no frequency). This sequence change replaces aspartic acid, which is acidic and polar, with asparagine, which is neutral and polar, at codon 1641 of the COL5A1 protein (p.Asp1641Asn).